The following is an entry in ClinVar:

NM_006904.7(PRKDC):c.1553A>G (p.Lys518Arg)

Gene: PRKDC (protein kinase, DNA-activated, catalytic subunit; minus strand). Cytogenetic location: 8q11.21.
Variant type: single nucleotide variant.
Coding change: c.1553A>G on transcript NM_006904.7 (MANE Select); coding-DNA position 1553, A replaced by G.
Protein change: p.Lys518Arg; replaces lysine 518 with arginine.
Molecular consequence: missense variant.
Genome position (GRCh38, 1-based): chr8:47,934,035, T>C on the plus strand (A>G on the coding strand, the complement: PRKDC is on the minus strand). VCF-style: chr8-47934035-T-C. GRCh37 (hg19) VCF-style: chr8-48846595-T-C.
Other names: c.1553A>G, p.Lys518Arg (NM_001081640.2); short protein forms K518R.
Identifiers: ClinVar variation 1775096 (VCV001775096.2), dbSNP rs2551879196, ClinGen allele CA371165402.

ClinVar aggregate classification (germline): Uncertain significance (1 of 4 stars; one submission).

Submission:

Ambry Genetics
Classification: Uncertain significance. Last evaluated: 2022-10-29. Review status: criteria provided, single submitter. Criteria: Ambry Variant Classification Scheme 2023. Collection method: clinical testing. Allele origin: germline.
Comment: The p.K518R variant (also known as c.1553A>G), located in coding exon 15 of the PRKDC gene, results from an A to G substitution at nucleotide position 1553. The lysine at codon 518 is replaced by arginine, an amino acid with highly similar properties. This amino acid position is conserved. In addition, this alteration is predicted to be tolerated by in silico analysis. Since supporting evidence is limited at this time, the clinical significance of this alteration remains unclear.